The following is an entry in ClinVar:

NM_000245.4(MET):c.2264+1G>C

Gene: MET (MET proto-oncogene, receptor tyrosine kinase; plus strand). Cytogenetic location: 7q31.2.
Variant type: single nucleotide variant.
Coding change: c.2264+1G>C on transcript NM_000245.4 (MANE Select); the canonical splice donor site of the intron after coding-DNA position 2264, G replaced by C.
Molecular consequence: splice donor variant.
Genome position (GRCh38, 1-based): chr7:116,758,621, G>C. VCF-style: chr7-116758621-G-C. GRCh37 (hg19) VCF-style: chr7-116398675-G-C.
Other names: c.2264+1G>C (NM_001127500.3, NM_001324401.3); c.974+1G>C (NM_001324402.2).
Identifiers: ClinVar variation 2567688 (VCV002567688.2), dbSNP rs2116932873, ClinGen allele CA368980925.

ClinVar aggregate classification (germline): Uncertain significance (1 of 4 stars; one submission).

Conditions:
Hereditary cancer-predisposing syndrome. Also called: Hereditary neoplastic syndrome; Hereditary Cancer Syndrome; Neoplastic Syndromes, Hereditary; Tumor predisposition. Identifiers: Orphanet 140162, MedGen C0027672, MeSH D009386, MONDO:0015356.

Submission:

Ambry Genetics
Classification: Uncertain significance for Hereditary cancer-predisposing syndrome. Last evaluated: 2023-04-27. Review status: criteria provided, single submitter. Criteria: Ambry Variant Classification Scheme 2023. Collection method: clinical testing. Allele origin: germline.
Comment: The c.2264+1G>C intronic variant results from a G to C substitution one nucleotide after coding exon 8 of the MET gene. This nucleotide position is highly conserved in available vertebrate species. In silico splice site analysis predicts that this alteration will weaken the native splice donor site. Alterations that disrupt the canonical splice site are expected to cause aberrant splicing, resulting in an abnormal protein or a transcript that is subject to nonsense-mediated mRNA decay. However, loss of function of MET has not been established as a mechanism of disease. Since supporting evidence is limited at this time, the clinical significance of this alteration remains unclear.